The following is an entry in ClinVar:

ClinVar aggregate classification (germline): Uncertain significance. Review status: criteria provided, multiple submitters, no conflicts (2 of 4 stars). 2 submissions from 2 submitters: Uncertain significance (2). Last evaluated 2023-12-20.

Conditions:
Inborn genetic diseases. Identifiers: MedGen C0950123, MeSH D030342.

Allele frequency attached by ClinVar (database versions not stated): ExAC 0.00001; gnomAD 0.00001; TOPMed 0.00002.

Submissions (2):

Ambry Genetics
Classification: Uncertain significance for Inborn genetic diseases. Last evaluated: 2023-12-20. Review status: criteria provided, single submitter. Criteria: Ambry Variant Classification Scheme 2023. Collection method: clinical testing. Allele origin: germline.

Mayo Clinic Laboratories, Mayo Clinic
Classification: Uncertain significance. Last evaluated: 2023-10-16. Review status: criteria provided, single submitter. Criteria: ACMG Guidelines, 2015. Collection method: clinical testing. Allele origin: germline. Observed: 1 variant allele.
Comment: BP4, PM2_moderate

NM_024989.4(PGAP1):c.1087A>G (p.Asn363Asp)

Gene: PGAP1 (post-GPI attachment to proteins inositol deacylase 1; minus strand). Cytogenetic location: 2q33.1.
Variant type: single nucleotide variant.
Coding change: c.1087A>G on transcript NM_024989.4 (MANE Select); coding-DNA position 1087, A replaced by G.
Protein change: p.Asn363Asp; replaces asparagine 363 with aspartic acid.
Molecular consequence: missense variant. On other transcripts: intron variant (1).
Genome position (GRCh38, 1-based): chr2:196,892,348, T>C on the plus strand (A>G on the coding strand, the complement: PGAP1 is on the minus strand). VCF-style: chr2-196892348-T-C. GRCh37 (hg19) VCF-style: chr2-197757072-T-C.
Other names: p.Asn363Asp; c.565A>G, p.Asn189Asp (NM_001321099.2); c.-79+792A>G (NM_001321100.2); short protein forms N363D, N189D.
Identifiers: ClinVar variation 3211635 (VCV003211635.2), dbSNP rs757906848, ClinGen allele CA2041038.